The following is an entry in ClinVar:

NM_001844.5(COL2A1):c.4306G>A (p.Asp1436Asn)

Gene: COL2A1 (collagen type II alpha 1 chain; minus strand). Cytogenetic location: 12q13.11.
Variant type: single nucleotide variant.
Coding change: c.4306G>A on transcript NM_001844.5 (MANE Select); coding-DNA position 4306, G replaced by A.
Protein change: p.Asp1436Asn; replaces aspartic acid 1436 with asparagine.
Molecular consequence: missense variant.
Genome position (GRCh38, 1-based): chr12:47,974,100, C>T on the plus strand (G>A on the coding strand, the complement: COL2A1 is on the minus strand). VCF-style: chr12-47974100-C-T. GRCh37 (hg19) VCF-style: chr12-48367883-C-T.
Other names: c.4099G>A, p.Asp1367Asn (NM_033150.3); short protein forms D1436N, D1367N.
Identifiers: ClinVar variation 197947 (VCV000197947.6), dbSNP rs794727757, ClinGen allele CA246354.

ClinVar aggregate classification (germline): Uncertain significance. Review status: criteria provided, multiple submitters, no conflicts (2 of 4 stars). 2 submissions from 2 submitters: Uncertain significance (2). Last evaluated 2025-04-08.

Submissions (2):

Labcorp Genetics (formerly Invitae), Labcorp
Classification: Uncertain significance. Last evaluated: 2025-04-08. Review status: criteria provided, single submitter. Criteria: Invitae Variant Classification Sherloc (09022015). Collection method: clinical testing. Allele origin: germline.
Comment: This sequence change replaces aspartic acid, which is acidic and polar, with asparagine, which is neutral and polar, at codon 1436 of the COL2A1 protein (p.Asp1436Asn). This variant is not present in population databases (gnomAD no frequency). This variant has not been reported in the literature in individuals affected with COL2A1-related conditions. ClinVar contains an entry for this variant (Variation ID: 197947). Invitae Evidence Modeling of protein sequence and biophysical properties (such as structural, functional, and spatial information, amino acid conservation, physicochemical variation, residue mobility, and thermodynamic stability) has been performed for this missense variant. However, the output from this modeling did not meet the statistical confidence thresholds required to predict the impact of this variant on COL2A1 protein function. In summary, the available evidence is currently insufficient to determine the role of this variant in disease. Therefore, it has been classified as a Variant of Uncertain Significance.

Eurofins Ntd Llc (ga)
Classification: Uncertain significance. Last evaluated: 2014-10-31. Review status: criteria provided, single submitter. Criteria: EGL Classification Definitions 2015. Collection method: clinical testing. Allele origin: germline. Observed: 1 variant allele, 1 heterozygote.